The following is an entry in ClinVar:

NM_004300.4(ACP1):c.231+53C>T

Gene: ACP1 (acid phosphatase 1; plus strand). Cytogenetic location: 2p25.3.
Variant type: single nucleotide variant.
Coding change: c.231+53C>T on transcript NM_004300.4 (MANE Select); 53 bases into the intron after coding-DNA position 231, C replaced by T.
Molecular consequence: intron variant. On other transcripts: missense variant (1), synonymous variant (1), non-coding transcript variant (1).
Genome position (GRCh38, 1-based): chr2:272,203, C>T. VCF-style: chr2-272203-C-T. GRCh37 (hg19) VCF-style: chr2-272203-C-T.
Other names: c.284C>T, p.Thr95Ile (NM_001040649.3); c.129C>T, p.Asp43= (NM_007099.4); short protein forms T95I.
Identifiers: ClinVar variation 3900036 (VCV003900036.1).

ClinVar aggregate classification (germline): drug response (0 of 4 stars; one submission).

Conditions:
Thalidomide response. Identifiers: MedGen CN297989.

gnomAD v4.1: 528,567 of 1,613,824 alleles (33%); highest among the groups gnomAD compares: Non-Finnish European, 35%; 89,201 homozygotes.

Submission:

Rare Diseases Genetics and Genomics, Islamia College Peshawar
Classification: drug response for Thalidomide response. Review status: no assertion criteria provided. Collection method: research. Allele origin: germline. Affected: yes.
Comment: this variant was associated with excellent response to thalidomide (achieving transfusion independence)